The following is an entry in ClinVar:

NM_000059.4(BRCA2):c.6772G>A (p.Glu2258Lys)

Gene: BRCA2 (BRCA2 DNA repair associated; plus strand). Cytogenetic location: 13q13.1.
Variant type: single nucleotide variant.
Coding change: c.6772G>A on transcript NM_000059.4 (MANE Select); coding-DNA position 6772, G replaced by A.
Protein change: p.Glu2258Lys; replaces glutamic acid 2258 with lysine.
Molecular consequence: missense variant.
Genome position (GRCh38, 1-based): chr13:32,341,127, G>A. VCF-style: chr13-32341127-G-A. GRCh37 (hg19) VCF-style: chr13-32915264-G-A.
Other names: p.E2258K:GAA>AAA; short protein forms E2258K.
Identifiers: ClinVar variation 182233 (VCV000182233.55), dbSNP rs730881549, ClinGen allele CA024402.

ClinVar aggregate classification (germline): Conflicting classifications of pathogenicity. Review status: criteria provided, conflicting classifications (1 of 4 stars). 13 submissions from 13 submitters: Uncertain significance (8); Likely benign (5). Last evaluated 2025-08-28.

Conditions:
Familial cancer of breast. Also called: Hereditary breast cancer; hereditary breast carcinoma; BREAST CANCER, FAMILIAL. Identifiers: Orphanet 227535, MedGen C0346153, MONDO:0016419, OMIM 114480. Disease mechanism: loss of function.
Breast-ovarian cancer, familial, susceptibility to, 2 (BROVCA2). Also called: BRCA2 Hereditary Breast and Ovarian Cancer. Identifiers: Orphanet 145, MedGen C2675520, MONDO:0012933, OMIM 612555. Disease mechanism: loss of function.
Wilms tumor 1 (WT1). Also called: Wilms tumor, somatic. Identifiers: Orphanet 654, MedGen CN033288, MONDO:0008679, OMIM 194070.
Pancreatic cancer, susceptibility to, 2. Identifiers: Orphanet 1333, MedGen C3150546, MONDO:0013235, OMIM 613347.
Glioma susceptibility 3 (GLM3). Also called: Glioblastoma 3. Identifiers: Orphanet 182067, Orphanet 360, MedGen C2751641, MONDO:0013093, OMIM 613029.
Familial prostate cancer. Also called: Hereditary Prostate Cancer. Identifiers: MedGen C2931456, MONDO:0700275, OMIM 176807.
Fanconi anemia complementation group D1. Also called: BRCA2-Related Fanconi Anemia. Identifiers: Orphanet 319462, MedGen C1838457, MONDO:0011584, OMIM 605724.
Medulloblastoma (MDB). Also called: MEDULLOBLASTOMA PREDISPOSITION SYNDROME; Medulloblastoma, somatic. Identifiers: Orphanet 616, MedGen C0025149, MeSH D008527, MONDO:0007959, OMIM 155255, HP:0002885.
Hereditary cancer-predisposing syndrome. Also called: Hereditary Cancer Syndrome; Neoplastic Syndromes, Hereditary; Tumor predisposition; Hereditary neoplastic syndrome. Identifiers: Orphanet 140162, MedGen C0027672, MeSH D009386, MONDO:0015356.
Hereditary breast ovarian cancer syndrome. Also called: Hereditary breast and ovarian cancer; Hereditary breast and ovarian cancer syndrome (HBOC); Hereditary breast and/or ovarian cancer syndrome; Hereditary breast and ovarian cancer syndrome; Breast and ovarian cancer; BRCA1- and BRCA2-Associated Hereditary Breast and Ovarian Cancer. Identifiers: Orphanet 145, MedGen C0677776, MeSH D061325, MONDO:0003582. Disease mechanism: loss of function.

Allele frequency attached by ClinVar (database versions not stated): gnomAD 0.00001 and 0.00002; gnomAD exomes 0.00001; ExAC 0.00001.
gnomAD v4.1: 12 of 1,613,742 alleles (0.00074%); highest among the groups gnomAD compares: South Asian, 0.0033%; no homozygotes.

Submissions (13):

Labcorp Genetics (formerly Invitae), Labcorp
Classification: Uncertain significance for Hereditary breast ovarian cancer syndrome. Last evaluated: 2025-08-28. Review status: criteria provided, single submitter. Criteria: Invitae Variant Classification Sherloc (09022015). Collection method: clinical testing. Allele origin: germline.
Comment: This sequence change replaces glutamic acid, which is acidic and polar, with lysine, which is basic and polar, at codon 2258 of the BRCA2 protein (p.Glu2258Lys). This variant is present in population databases (rs730881549, gnomAD 0.003%). This variant has not been reported in the literature in individuals affected with BRCA2-related conditions. ClinVar contains an entry for this variant (Variation ID: 182233). Invitae Evidence Modeling of protein sequence and biophysical properties (such as structural, functional, and spatial information, amino acid conservation, physicochemical variation, residue mobility, and thermodynamic stability) indicates that this missense variant is not expected to disrupt BRCA2 protein function with a negative predictive value of 95%. In summary, the available evidence is currently insufficient to determine the role of this variant in disease. Therefore, it has been classified as a Variant of Uncertain Significance.

Center for Genomic Medicine, Rigshospitalet, Copenhagen University Hospital
Classification: Likely benign. Last evaluated: 2025-03-04. Review status: criteria provided, single submitter. Criteria: ACMG Guidelines, 2015. Collection method: clinical testing. Allele origin: germline.

Institute of Immunology and Genetics Kaiserslautern
Classification: Uncertain significance for Familial cancer of breast. Last evaluated: 2024-04-18. Review status: criteria provided, single submitter. Criteria: ACMG Guidelines, 2015. Collection method: clinical testing. Allele origin: germline. Affected: yes.
Comment: ACMG Criteria: PM2_P, described BRCA2 coldspot (PMID:31911673); Variant was found in heterozygous state

MGZ Medical Genetics Center
Classification: Likely benign for Familial cancer of breast. Last evaluated: 2024-02-09. Review status: criteria provided, single submitter. Criteria: CSpec BRCA1/2ACMG Rules Specifications V1.1.0. Collection method: clinical testing. Allele origin: germline. Affected: yes.
Comment: ACMG codes applied following ENIGMA VCEP rules: BP1_STR

Fulgent Genetics
Classification: Uncertain significance for Familial cancer of breast; Medulloblastoma; Familial prostate cancer; Wilms tumor 1; Fanconi anemia complementation group D1; Breast-ovarian cancer, familial, susceptibility to, 2; Glioma susceptibility 3; Pancreatic cancer, susceptibility to, 2. Last evaluated: 2024-01-23. Review status: criteria provided, single submitter. Criteria: ACMG Guidelines, 2015. Collection method: clinical testing. Allele origin: germline.

All of Us Research Program, National Institutes of Health
Classification: Uncertain significance for Breast-ovarian cancer, familial, susceptibility to, 2. Last evaluated: 2023-12-13. Review status: criteria provided, single submitter. Criteria: ACMG Guidelines, 2015. Collection method: clinical testing. Allele origin: germline. Inheritance: Autosomal dominant inheritance. Observed: 1 variant allele, 1 heterozygote.
Comment: This missense variant replaces glutamic acid with lysine at codon 2258 of the BRCA2 protein. Computational prediction suggests that this variant may not impact protein structure and function (internally defined REVEL score threshold <= 0.5, PMID: 27666373). To our knowledge, functional studies have not been reported for this variant. This variant has not been reported in individuals affected with BRCA2-related cancers, but it has been reported in unaffected individuals (PMID: 30287823, 31214711, 32980694). This variant has been identified in 3/282564 chromosomes in the general population by the Genome Aggregation Database (gnomAD). The available evidence is insufficient to determine the role of this variant in disease conclusively. Therefore, this variant is classified as a Variant of Uncertain Significance.

This study involves interpretation of variants in research participants for the purpose of population health screening. Participant phenotype was not available at the time of variant classification. Additional details can be found in publication PMID: 35346344, PMCID: PMC8962531

Color Diagnostics, LLC DBA Color Health
Classification: Uncertain significance for Hereditary cancer-predisposing syndrome. Last evaluated: 2023-11-07. Review status: criteria provided, single submitter. Criteria: ACMG Guidelines, 2015. Collection method: clinical testing. Allele origin: germline.
Comment: This missense variant replaces glutamic acid with lysine at codon 2258 of the BRCA2 protein. Computational prediction suggests that this variant may not impact protein structure and function. To our knowledge, functional studies have not been reported for this variant. This variant has not been reported in individuals affected with BRCA2-related cancers, but it has been reported in unaffected individuals (PMID: 30287823, 31214711, 32980694). This variant has been identified in 3/282564 chromosomes in the general population by the Genome Aggregation Database (gnomAD). The available evidence is insufficient to determine the role of this variant in disease conclusively. Therefore, this variant is classified as a Variant of Uncertain Significance.

University of Washington Department of Laboratory Medicine, University of Washington
Classification: Likely benign for Hereditary cancer-predisposing syndrome. Last evaluated: 2023-03-23. Review status: criteria provided, single submitter. Criteria: Dines et al. (Genet Med. 2020). Collection method: curation. Allele origin: germline.
Comment: Missense variant in a coldspot region where missense variants are very unlikely to be pathogenic (PMID:31911673).

BRCA2 exon 11 coldspot. Reclassification based on statistical prior probability.

CeGaT Center for Human Genetics Tuebingen
Classification: Likely benign. Last evaluated: 2022-05-01. Review status: criteria provided, single submitter. Criteria: CeGaT Center For Human Genetics Tuebingen Variant Classification Criteria Version 2. Collection method: clinical testing. Allele origin: germline. Affected: yes. Observed: 1 variant allele.
Comment: BRCA2: BP1, BP4

Quest Diagnostics Nichols Institute San Juan Capistrano
Classification: Uncertain significance. Last evaluated: 2021-02-26. Review status: criteria provided, single submitter. Criteria: Quest Diagnostics criteria. Collection method: clinical testing. Allele origin: unknown.

Ambry Genetics
Classification: Likely benign for Hereditary cancer-predisposing syndrome. Last evaluated: 2019-03-08. Review status: criteria provided, single submitter. Criteria: Ambry Variant Classification Scheme 2023. Collection method: clinical testing. Allele origin: germline.

Women's Health and Genetics/Laboratory Corporation of America, LabCorp
Classification: Uncertain significance. Last evaluated: 2016-08-15. Review status: criteria provided, single submitter. Criteria: LabCorp Variant Classification Summary - May 2015. Collection method: clinical testing. Allele origin: germline.
Comment: Variant summary: The BRCA2 c.6772G>A (p.Glu2258Lys) variant involves the alteration of a non-conserved nucleotide. 4/5 in silico tools predict a benign outcome for this variant. Glu2258 is not conserved across species and is not located in a known functional domain. This variant was found in 1/120952 control chromosomes at a frequency of 0.0000083, which does not exceed the estimated maximal expected allele frequency of a pathogenic BRCA2 variant (0.0007503). In addition, one clinical diagnostic laboratory classified this variant as uncertain significance. Taken together, this variant is classified as VUS until additional information is available.

GeneDx
Classification: Uncertain significance. Last evaluated: 2015-12-29. Review status: criteria provided, single submitter. Criteria: GeneDx Variant Classification (06012015). Collection method: clinical testing. Allele origin: germline. Affected: yes.
Comment: This variant is denoted BRCA2 c.6772G>A at the cDNA level, p.Glu2258Lys (E2258K) at the protein level, and results in the change of a Glutamic Acid to a Lysine (GAA>AAA). Using alternate nomenclature, this variant would be defined as BRCA2 7000G>A. While this variant was identified as a de novo finding in a child with an autism spectrum disorder, it has not, to our knowledge, been reported in an individual noted to have a personal or family history of cancer (Neale 2012). BRCA2 Glu2258Lys was not observed in approximately 6,500 individuals of European and African American ancestry in the NHLBI Exome Sequencing Project, indicating it is not a common benign variant in these populations. Since Glutamic Acid and Lysine differ in polarity, charge, size or other properties, this is considered a non-conservative amino acid substitution. BRCA2 Glu2258Lys occurs at a position that is not conserved and is not located in a known functional domain (Borg 2010, UniProt). In silico analyses predict that this variant is unlikely to alter protein structure or function. Based on currently available information, it is unclear whether BRCA2 Glu2258Lys is pathogenic or benign. We consider it to be a variant of uncertain significance.

Literature cited by the submitters: PubMed 30287823 (cited by 4 submitters); PubMed 31214711 (cited by All of Us Research Program, National Institutes of Health and Color Diagnostics, LLC DBA Color Health); PubMed 32980694 (cited by All of Us Research Program, National Institutes of Health and Color Diagnostics, LLC DBA Color Health); PubMed 28714951 (cited by Quest Diagnostics Nichols Institute San Juan Capistrano); PubMed 22495311 (cited by 3 submitters); PubMed 24755471 (cited by Quest Diagnostics Nichols Institute San Juan Capistrano and Women's Health and Genetics/Laboratory Corporation of America, LabCorp).